The following is an entry in ClinVar:

ClinVar aggregate classification (germline): Uncertain significance (1 of 4 stars; one submission).

Allele frequency attached by ClinVar (database versions not stated): gnomAD exomes below 0.00001; TOPMed below 0.00001; gnomAD 0.00001.
gnomAD v4.1: 2 of 1,613,276 alleles (0.00012%); highest among the groups gnomAD compares: African/African-American, 0.0013%; no homozygotes.

Submission:

Labcorp Genetics (formerly Invitae), Labcorp
Classification: Uncertain significance. Last evaluated: 2022-05-28. Review status: criteria provided, single submitter. Criteria: Invitae Variant Classification Sherloc (09022015). Collection method: clinical testing. Allele origin: germline.
Comment: This sequence change replaces valine, which is neutral and non-polar, with leucine, which is neutral and non-polar, at codon 292 of the TTC37 protein (p.Val292Leu). This variant is not present in population databases (gnomAD no frequency). This variant has not been reported in the literature in individuals affected with TTC37-related conditions. Algorithms developed to predict the effect of missense changes on protein structure and function output the following: SIFT: "Tolerated"; PolyPhen-2: "Benign"; Align-GVGD: "Class C0". The leucine amino acid residue is found in multiple mammalian species, which suggests that this missense change does not adversely affect protein function. In summary, the available evidence is currently insufficient to determine the role of this variant in disease. Therefore, it has been classified as a Variant of Uncertain Significance.

NM_014639.4(SKIC3):c.874G>C (p.Val292Leu)

Gene: SKIC3 (SKI3 subunit of superkiller complex; minus strand). Cytogenetic location: 5q15.
Variant type: single nucleotide variant.
Coding change: c.874G>C on transcript NM_014639.4 (MANE Select); coding-DNA position 874, G replaced by C.
Protein change: p.Val292Leu; replaces valine 292 with leucine.
Molecular consequence: missense variant.
Genome position (GRCh38, 1-based): chr5:95,530,107, C>G on the plus strand (G>C on the coding strand, the complement: SKIC3 is on the minus strand). VCF-style: chr5-95530107-C-G. GRCh37 (hg19) VCF-style: chr5-94865811-C-G.
Other names: short protein forms V292L.
Identifiers: ClinVar variation 1999841 (VCV001999841.4), dbSNP rs1346051689, ClinGen allele CA360466592.